The following is an entry in ClinVar:

NM_005609.4(PYGM):c.1882G>A (p.Gly628Arg)

Gene: PYGM (glycogen phosphorylase, muscle associated; minus strand). Cytogenetic location: 11q13.1.
Variant type: single nucleotide variant.
Coding change: c.1882G>A on transcript NM_005609.4 (MANE Select); coding-DNA position 1882, G replaced by A.
Protein change: p.Gly628Arg; replaces glycine 628 with arginine.
Molecular consequence: missense variant.
Genome position (GRCh38, 1-based): chr11:64,751,412, C>T on the plus strand (G>A on the coding strand, the complement: PYGM is on the minus strand). VCF-style: chr11-64751412-C-T. GRCh37 (hg19) VCF-style: chr11-64518884-C-T.
Other names: c.1882G>A (NM_005609.3); c.1618G>A, p.Gly540Arg (NM_001164716.1); short protein forms G540R, G628R.
Identifiers: ClinVar variation 1306985 (VCV001306985.6), dbSNP rs201591132, ClinGen allele CA6079685.

ClinVar aggregate classification (germline): Uncertain significance. Review status: criteria provided, multiple submitters, no conflicts (2 of 4 stars). 4 submissions from 4 submitters: Uncertain significance (4). Last evaluated 2025-04-14.

Conditions:
PYGM-related disorder. Also called: PYGM-related condition.
Glycogen storage disease, type V (GSD5). Also called: MCARDLE DISEASE; MUSCLE GLYCOGEN PHOSPHORYLASE DEFICIENCY; MYOPHOSPHORYLASE DEFICIENCY; PYGM DEFICIENCY; McArdle type glycogen storage disease. Identifiers: Orphanet 368, MedGen C0017924, MONDO:0009293, OMIM 232600.

Allele frequency attached by ClinVar (database versions not stated): ExAC 0.00002; gnomAD exomes 0.00002 and 0.00004; gnomAD 0.00005; ESP Exome Variant Server 0.00008; TOPMed 0.00010; 1000 Genomes Project 30x 0.00016; 1000 Genomes Project 0.00020.
gnomAD v4.1: 66 of 1,614,118 alleles (0.0041%); highest among the groups gnomAD compares: African/African-American, 0.0053%; no homozygotes.

Submissions (4):

PreventionGenetics, part of Exact Sciences
Classification: Uncertain significance for PYGM-related condition. Last evaluated: 2025-04-14. Review status: criteria provided, single submitter. Criteria: ACMG Guidelines, 2015. Collection method: clinical testing. Allele origin: germline.
Comment: The PYGM c.1882G>A variant is predicted to result in the amino acid substitution p.Gly628Arg. To our knowledge, this variant has not been reported in the literature. This variant is reported in 0.0040% of alleles in individuals of African descent in gnomAD. At this time, the clinical significance of this variant is uncertain due to the absence of conclusive functional and genetic evidence.

Labcorp Genetics (formerly Invitae), Labcorp
Classification: Uncertain significance for Glycogen storage disease, type V. Last evaluated: 2022-09-13. Review status: criteria provided, single submitter. Criteria: Invitae Variant Classification Sherloc (09022015). Collection method: clinical testing. Allele origin: germline.
Comment: This sequence change replaces glycine, which is neutral and non-polar, with arginine, which is basic and polar, at codon 628 of the PYGM protein (p.Gly628Arg). This variant is present in population databases (rs201591132, gnomAD 0.004%). This variant has not been reported in the literature in individuals affected with PYGM-related conditions. ClinVar contains an entry for this variant (Variation ID: 1306985). Advanced modeling of protein sequence and biophysical properties (such as structural, functional, and spatial information, amino acid conservation, physicochemical variation, residue mobility, and thermodynamic stability) has been performed at Invitae for this missense variant, however the output from this modeling did not meet the statistical confidence thresholds required to predict the impact of this variant on PYGM protein function. In summary, the available evidence is currently insufficient to determine the role of this variant in disease. Therefore, it has been classified as a Variant of Uncertain Significance.

Revvity Omics, Revvity
Classification: Uncertain significance for Glycogen storage disease, type V. Last evaluated: 2020-03-02. Review status: criteria provided, single submitter. Criteria: ACMG Guidelines, 2015. Collection method: clinical testing. Allele origin: germline.

GeneDx
Classification: Uncertain significance. Last evaluated: 2019-03-01. Review status: criteria provided, single submitter. Criteria: GeneDx Variant Classification Process June 2021. Collection method: clinical testing. Allele origin: germline. Affected: yes.
Comment: Not observed at a significant frequency in large population cohorts (Lek et al., 2016); The majority of missense variants in this gene are considered pathogenic (Stenson et al., 2014); In silico analysis, which includes protein predictors and evolutionary conservation, supports a deleterious effect; Has not been previously published as pathogenic or benign to our knowledge